The following is an entry in ClinVar:

ClinVar aggregate classification (germline): Pathogenic (1 of 4 stars; one submission).

Conditions:
Early-infantile DEE. Also called: Early infantile epileptic encephalopathy with suppression bursts; Early infantile epileptic encephalopathy; Ohtahara syndrome. Identifiers: Orphanet 1934, MedGen C0393706, MONDO:0800491.

Submission:

Labcorp Genetics (formerly Invitae), Labcorp
Classification: Pathogenic for Early-infantile DEE. Last evaluated: 2021-12-02. Review status: criteria provided, single submitter. Criteria: Invitae Variant Classification Sherloc (09022015). Collection method: clinical testing. Allele origin: germline.
Comment: For these reasons, this variant has been classified as Pathogenic. This variant has not been reported in the literature in individuals affected with KCNQ2-related conditions. This variant is not present in population databases (gnomAD no frequency). This sequence change creates a premature translational stop signal (p.Gln494*) in the KCNQ2 gene. It is expected to result in an absent or disrupted protein product. Loss-of-function variants in KCNQ2 are known to be pathogenic (PMID: 14534157, 23692823, 27779742).

Literature cited by the submitters: PubMed 14534157; PubMed 23692823; PubMed 27779742.

NM_172107.4(KCNQ2):c.1480C>T (p.Gln494Ter)

Gene: KCNQ2 (potassium voltage-gated channel subfamily Q member 2; minus strand). Cytogenetic location: 20q13.33.
Variant type: single nucleotide variant.
Coding change: c.1480C>T on transcript NM_172107.4 (MANE Select); coding-DNA position 1480, C replaced by T.
Protein change: p.Gln494Ter; replaces glutamine 494 with a stop codon.
Molecular consequence: nonsense.
Genome position (GRCh38, 1-based): chr20:63,414,948, G>A on the plus strand (C>T on the coding strand, the complement: KCNQ2 is on the minus strand). VCF-style: chr20-63414948-G-A. GRCh37 (hg19) VCF-style: chr20-62046301-G-A.
Other names: c.1426C>T, p.Gln476Ter (NM_001382235.1, NM_172106.3); c.1396C>T, p.Gln466Ter (NM_004518.6); c.1390C>T, p.Gln464Ter (NM_172108.5); short protein forms Q464*, Q476*, Q466*, Q494*.
Identifiers: ClinVar variation 1452788 (VCV001452788.7), dbSNP rs2145555670, ClinGen allele CA409646279.
Genomic context (GRCh38, chr20:63,414,948, plus strand): 5'-TGCGGCCACACCCACCTTCTGAGTTCTGCCGTGACGCGGCACCCTTGATGCGGAAAGCCT[G>A]GCGTGCCCGGCTGCGGTCCCCGAAGCTCCAGCTCTTGGGCACCTTGCTGGGGCTGTCCTC-3'